The following is an entry in ClinVar:

NM_080597.4(OSBPL1A):c.968_969dup (p.Asp324fs)

Gene: OSBPL1A (oxysterol binding protein like 1A; minus strand). Cytogenetic location: 18q11.2.
Variant type: Microsatellite.
Coding change: c.968_969dup on transcript NM_080597.4 (MANE Select); coding-DNA positions 968 to 969, 2 bases duplicated (AG; older notation c.968_969dupAG).
Protein change: p.Asp324fs; shifts the reading frame from aspartic acid 324.
Molecular consequence: frameshift variant.
Genome position (GRCh38, 1-based): chr18:24,314,249-24,314,250, CT duplicated on the plus strand (AG on the coding strand, the reverse complement: OSBPL1A is on the minus strand); duplicating any 2 consecutive bases within chr18:24,314,249-24,314,254 gives the same sequence; the c. name uses the placement nearest the transcript's 3' end. VCF-style (leftmost placement, unchanged base first): chr18-24314248-C-CCT. GRCh37 (hg19) VCF-style: chr18-21894212-C-CCT.
Other names: short protein forms D324fs.
Identifiers: ClinVar variation 4857183 (VCV004857183.1).

ClinVar aggregate classification (germline): Likely pathogenic (0 of 4 stars; one submission).

Conditions:
Familial hypercholesterolemia. Also called: Familial hypercholesterolemias; Familial hypercholesterolaemia. Identifiers: MedGen C0020445, MONDO:0005439.

Submission:

Research Laboratories, P. D. Hinduja Hospital & MRC
Classification: Likely pathogenic for Familial hypercholesterolemia. Last evaluated: 2026-06-08. Review status: no assertion criteria provided. Collection method: research. Allele origin: germline. Affected: yes. Observed: 1 variant allele, 1 heterozygote.
Comment: This variant was identified as part of the ICMR-funded project (Ref No. 2020-3881). A duplication variant in OSBPL1A (NM_080597.4), c.968_969dup, predicted to cause a frameshift beginning at codon 324 and resulting in a premature termination codon downstream. To our knowledge, functional studies specific to this variant have not been reported. This variant has not been described in individuals with Familial Hypercholesterolemia (FH) in the literature; however, the OSBPL1A gene is associated with lipid metabolism according to the LIPID MAPS Proteome Database (LMPD). Computational predictions using MutationTaster and PolyPhen-2 suggest that this variant is likely deleterious and possibly damaging to protein function (GRCh38).